The following is an entry in ClinVar:

ClinVar aggregate classification (germline): Benign/Likely benign. Review status: criteria provided, multiple submitters, no conflicts (2 of 4 stars). 5 submissions from 5 submitters: Benign (1); Likely benign (3). 1 of the submissions does not count toward it. Last evaluated 2025-08-11.

Conditions:
FGFR2-related disorder. Identifiers: MedGen CN380096.
FGFR2-related craniosynostosis. Identifiers: MedGen CN231480.

Allele frequency attached by ClinVar (database versions not stated): TOPMed 0.00044; ESP Exome Variant Server 0.00069.
gnomAD v4.1: 145 of 1,614,190 alleles (0.009%); highest among the groups gnomAD compares: African/African-American, 0.12%; no homozygotes.

Submissions (5):

Labcorp Genetics (formerly Invitae), Labcorp
Classification: Benign for FGFR2-related craniosynostosis. Last evaluated: 2025-08-11. Review status: criteria provided, single submitter. Criteria: Invitae Variant Classification Sherloc (09022015). Collection method: clinical testing. Allele origin: germline.

Blueprint Genetics
Classification: Likely benign. Last evaluated: 2022-02-23. Review status: criteria provided, single submitter. Criteria: ACMG Guidelines, 2015. Collection method: clinical testing. Allele origin: germline.

ARUP Laboratories, Molecular Genetics and Genomics, ARUP Laboratories
Classification: Likely benign. Last evaluated: 2020-10-18. Review status: criteria provided, single submitter. Criteria: ARUP Molecular Germline Variant Investigation Process 2021. Collection method: clinical testing. Allele origin: germline.

GeneDx
Classification: Likely benign. Last evaluated: 2020-05-19. Review status: criteria provided, single submitter. Criteria: GeneDx Variant Classification Process June 2021. Collection method: clinical testing. Allele origin: germline. Affected: yes.

PreventionGenetics, part of Exact Sciences
Classification: Likely benign for FGFR2-related condition. Last evaluated: 2023-04-10. Review status: no assertion criteria provided. Collection method: clinical testing. Allele origin: germline. Not counted in ClinVar's aggregate classification.
Comment: This variant is classified as likely benign based on ACMG/AMP sequence variant interpretation guidelines (Richards et al. 2015 PMID: 25741868, with internal and published modifications).

NM_000141.5(FGFR2):c.2328C>T (p.Leu776=)

Gene: FGFR2 (fibroblast growth factor receptor 2; minus strand). Cytogenetic location: 10q26.13.
Variant type: single nucleotide variant.
Coding change: c.2328C>T on transcript NM_000141.5 (MANE Select); coding-DNA position 2328, C replaced by T.
Protein change: p.Leu776=; no amino-acid change (leucine 776 retained).
Molecular consequence: synonymous variant. On other transcripts: non-coding transcript variant (1), intron variant (1).
Genome position (GRCh38, 1-based): chr10:121,479,995, G>A on the plus strand (C>T on the coding strand, the complement: FGFR2 is on the minus strand). VCF-style: chr10-121479995-G-A. GRCh37 (hg19) VCF-style: chr10-123239509-G-A.
Other names: c.1992C>T, p.Leu664= (NM_001144914.1); c.1983C>T, p.Leu661= (NM_001144916.2); c.1980C>T, p.Leu660= (NM_001144917.2); c.1977C>T, p.Leu659= (NM_001144918.2); c.1644C>T, p.Leu548= (NM_001320654.2); c.2322C>T, p.Leu774= (NM_001320658.2); c.2331C>T, p.Leu777= (NM_022970.4); c.2061C>T, p.Leu687= (NM_023029.3); and 1 more.
Identifiers: ClinVar variation 1168728 (VCV001168728.21), dbSNP rs148478597, ClinGen allele CA5720462.